The following is an entry in ClinVar:

ClinVar aggregate classification (germline): Conflicting classifications of pathogenicity. Review status: criteria provided, conflicting classifications (1 of 4 stars). 3 submissions from 3 submitters: Uncertain significance (1); Likely benign (2). Last evaluated 2025-02-14.

Conditions:
Hereditary cancer-predisposing syndrome. Also called: Tumor predisposition; Neoplastic Syndromes, Hereditary; Hereditary Cancer Syndrome; Hereditary neoplastic syndrome. Identifiers: Orphanet 140162, MedGen C0027672, MeSH D009386, MONDO:0015356.
Familial melanoma. Also called: Hereditary melanoma; Hereditary cutaneous melanoma. Identifiers: Orphanet 618, MedGen C1512419, MONDO:0018961.

gnomAD v4.1: 2 of 1,604,460 alleles (0.00012%); highest among the groups gnomAD compares: African/African-American, 0.0013%; no homozygotes.

Submissions (3):

Ambry Genetics
Classification: Uncertain significance for Hereditary cancer-predisposing syndrome. Last evaluated: 2025-02-14. Review status: criteria provided, single submitter. Criteria: Ambry Variant Classification Scheme 2023. Collection method: clinical testing. Allele origin: germline.
Comment: The c.249C>T variant (also known as p.H83H), located in coding exon 2 of the CDKN2A gene, results from a C to T substitution at nucleotide position 249 and does not change the amino acid at position 83 of the p16 isoform.Of note, this variant is also known as p.R98* (c.292C>T)in the p14(ARF) isoform and results from an arginine to a stop codon at amino acid position 98. The evidence supporting a relationship between p14(ARF) and melanoma-pancreatic cancer syndrome is limited; therefore, the association of this variant with this gene-disease relationship is unknown. However, the association of this variant in the p16 isoform with melanoma-pancreatic cancer syndrome is unlikely.

Labcorp Genetics (formerly Invitae), Labcorp
Classification: Likely benign for Familial melanoma. Last evaluated: 2025-01-19. Review status: criteria provided, single submitter. Criteria: Invitae Variant Classification Sherloc (09022015). Collection method: clinical testing. Allele origin: germline.

Color Diagnostics, LLC DBA Color Health
Classification: Likely benign for Hereditary cancer-predisposing syndrome. Last evaluated: 2018-01-24. Review status: criteria provided, single submitter. Criteria: ACMG Guidelines, 2015. Collection method: clinical testing. Allele origin: germline.

NM_000077.5(CDKN2A):c.249C>T (p.His83=)

Gene: CDKN2A (cyclin dependent kinase inhibitor 2A; minus strand). Cytogenetic location: 9p21.3.
Variant type: single nucleotide variant.
Coding change: c.249C>T on transcript NM_000077.5; coding-DNA position 249, C replaced by T.
Protein change: p.His83=; no amino-acid change (histidine 83 retained).
Molecular consequence: synonymous variant (on NM_000077.6). On other transcripts: nonsense (1), 3 prime UTR variant (1).
Genome position (GRCh38, 1-based): chr9:21,971,110, G>A on the plus strand (C>T on the coding strand, the complement: CDKN2A is on the minus strand). VCF-style: chr9-21971110-G-A. GRCh37 (hg19) VCF-style: chr9-21971109-G-A.
Other names: c.249C>T, p.His83= (NM_000077.6, NM_001195132.2); c.96C>T, p.His32= (NM_001363763.2); c.292C>T, p.Arg98Ter (NM_058195.4); c.*172C>T (NM_058197.5); short protein forms R98*.
Identifiers: ClinVar variation 631231 (VCV000631231.13), dbSNP rs34968276, ClinGen allele CA16622044.